The following is an entry in ClinVar:

ClinVar aggregate classification (germline): Uncertain significance (1 of 4 stars; one submission).

Submission:

GeneDx
Classification: Uncertain significance. Last evaluated: 2024-12-12. Review status: criteria provided, single submitter. Criteria: GeneDx Variant Classification Process June 2021. Collection method: clinical testing. Allele origin: germline. Affected: yes.
Comment: Not observed at significant frequency in large population cohorts (gnomAD); In silico analysis supports that this missense variant has a deleterious effect on protein structure/function; Has not been previously published as pathogenic or benign to our knowledge

NM_170606.3(KMT2C):c.7896A>C (p.Gln2632His)

Gene: KMT2C (lysine methyltransferase 2C; minus strand). Cytogenetic location: 7q36.1.
Variant type: single nucleotide variant.
Coding change: c.7896A>C on transcript NM_170606.3 (MANE Select); coding-DNA position 7896, A replaced by C.
Protein change: p.Gln2632His; replaces glutamine 2632 with histidine.
Molecular consequence: missense variant.
Genome position (GRCh38, 1-based): chr7:152,177,557, T>G on the plus strand (A>C on the coding strand, the complement: KMT2C is on the minus strand). VCF-style: chr7-152177557-T-G. GRCh37 (hg19) VCF-style: chr7-151874642-T-G.
Other names: short protein forms Q2632H.
Identifiers: ClinVar variation 3903035 (VCV003903035.1).